The following is an entry in ClinVar:

NM_032043.3(BRIP1):c.3116A>G (p.Glu1039Gly)

Gene: BRIP1 (BRCA1 interacting DNA helicase 1; minus strand). Cytogenetic location: 17q23.2.
Variant type: single nucleotide variant.
Coding change: c.3116A>G on transcript NM_032043.3 (MANE Select); coding-DNA position 3116, A replaced by G.
Protein change: p.Glu1039Gly; replaces glutamic acid 1039 with glycine.
Molecular consequence: missense variant.
Genome position (GRCh38, 1-based): chr17:61,683,930, T>C on the plus strand (A>G on the coding strand, the complement: BRIP1 is on the minus strand). VCF-style: chr17-61683930-T-C. GRCh37 (hg19) VCF-style: chr17-59761291-T-C.
Other names: short protein forms E1039G.
Identifiers: ClinVar variation 1727800 (VCV001727800.9), dbSNP rs2144087623, ClinGen allele CA400479690.

ClinVar aggregate classification (germline): Uncertain significance. Review status: criteria provided, multiple submitters, no conflicts (2 of 4 stars). 2 submissions from 2 submitters: Uncertain significance (2). Last evaluated 2025-11-15.

Conditions:
Hereditary cancer-predisposing syndrome. Also called: Neoplastic Syndromes, Hereditary; Tumor predisposition; Hereditary Cancer Syndrome; Hereditary neoplastic syndrome. Identifiers: Orphanet 140162, MedGen C0027672, MeSH D009386, MONDO:0015356.
Fanconi anemia complementation group J. Also called: BRIP1-Related Fanconi Anemia. Identifiers: Orphanet 84, MedGen C1836860, MONDO:0012187, OMIM 609054.
Familial cancer of breast. Also called: BREAST CANCER, FAMILIAL; Hereditary breast cancer; hereditary breast carcinoma. Identifiers: Orphanet 227535, MedGen C0346153, MONDO:0016419, OMIM 114480. Disease mechanism: loss of function.

Submissions (2):

Ambry Genetics
Classification: Uncertain significance for Hereditary cancer-predisposing syndrome. Last evaluated: 2025-11-15. Review status: criteria provided, single submitter. Criteria: Ambry Variant Classification Scheme 2023. Collection method: clinical testing. Allele origin: germline.
Comment: The p.E1039G variant (also known as c.3116A>G), located in coding exon 19 of the BRIP1 gene, results from an A to G substitution at nucleotide position 3116. The glutamic acid at codon 1039 is replaced by glycine, an amino acid with similar properties. This amino acid position is well conserved in available vertebrate species. In addition, this alteration is predicted to be tolerated by in silico analysis. Since supporting evidence is limited at this time, the clinical significance of this alteration remains unclear.

Labcorp Genetics (formerly Invitae), Labcorp
Classification: Uncertain significance for Familial cancer of breast; Fanconi anemia complementation group J. Last evaluated: 2025-10-27. Review status: criteria provided, single submitter. Criteria: Invitae Variant Classification Sherloc (09022015). Collection method: clinical testing. Allele origin: germline.
Comment: This sequence change replaces glutamic acid, which is acidic and polar, with glycine, which is neutral and non-polar, at codon 1039 of the BRIP1 protein (p.Glu1039Gly). This variant is not present in population databases (gnomAD no frequency). This variant has not been reported in the literature in individuals affected with BRIP1-related conditions. ClinVar contains an entry for this variant (Variation ID: 1727800). Invitae Evidence Modeling of protein sequence and biophysical properties (such as structural, functional, and spatial information, amino acid conservation, physicochemical variation, residue mobility, and thermodynamic stability) indicates that this missense variant is not expected to disrupt BRIP1 protein function with a negative predictive value of 95%. In summary, the available evidence is currently insufficient to determine the role of this variant in disease. Therefore, it has been classified as a Variant of Uncertain Significance.